The following is an entry in ClinVar:

ClinVar aggregate classification (germline): Uncertain significance. Review status: criteria provided, multiple submitters, no conflicts (2 of 4 stars). 3 submissions from 3 submitters: Uncertain significance (2). 1 of the submissions does not count toward it. Last evaluated 2026-01-27.

Conditions:
Autosomal dominant polycystic kidney disease. Identifiers: Orphanet 730, MedGen C0085413, MONDO:0004691.
Polycystic kidney disease 2 (PKD2). Also called: POLYCYSTIC KIDNEY DISEASE, ADULT, TYPE II; Polycystic Kidney Disease 2, Autosomal Dominant; POLYCYSTIC KIDNEY DISEASE 2 WITH OR WITHOUT POLYCYSTIC LIVER DISEASE. Identifiers: MedGen C2751306, MONDO:0013131, OMIM 613095.

Allele frequency attached by ClinVar (database versions not stated): gnomAD 0.00001; ESP Exome Variant Server 0.00023; TOPMed 0.00001; gnomAD exomes 0.00002; ExAC 0.00002.
gnomAD v4.1: 30 of 1,599,642 alleles (0.0019%); highest among the groups gnomAD compares: Non-Finnish European, 0.0025%; no homozygotes.

Submissions (3):

GeneDx
Classification: Uncertain significance. Last evaluated: 2026-01-27. Review status: criteria provided, single submitter. Criteria: GeneDx Variant Classification Process June 2021. Collection method: clinical testing. Allele origin: germline.
Comment: In silico analysis supports that this missense variant has a deleterious effect on protein structure/function; Has not been previously published as pathogenic or benign to our knowledge

Labcorp Genetics (formerly Invitae), Labcorp
Classification: Uncertain significance for Autosomal dominant polycystic kidney disease. Last evaluated: 2026-01-27. Review status: criteria provided, single submitter. Criteria: Invitae Variant Classification Sherloc (09022015). Collection method: clinical testing. Allele origin: germline.
Comment: This sequence change replaces threonine, which is neutral and polar, with serine, which is neutral and polar, at codon 635 of the PKD2 protein (p.Thr635Ser). This variant is present in population databases (rs150314615, gnomAD 0.007%). This variant has not been reported in the literature in individuals affected with PKD2-related conditions. ClinVar contains an entry for this variant (Variation ID: 2582760). Invitae Evidence Modeling of protein sequence and biophysical properties (such as structural, functional, and spatial information, amino acid conservation, physicochemical variation, residue mobility, and thermodynamic stability) indicates that this missense variant is not expected to disrupt PKD2 protein function with a negative predictive value of 80%. In summary, the available evidence is currently insufficient to determine the role of this variant in disease. Therefore, it has been classified as a Variant of Uncertain Significance.

Zotz-Klimas Genetics Lab, MVZ Zotz Klimas
Classification: Uncertain significance for Polycystic kidney disease 2. Last evaluated: 2023-10-09. Review status: no assertion criteria provided. Collection method: clinical testing. Allele origin: germline. Affected: yes. Not counted in ClinVar's aggregate classification.

NM_000297.4(PKD2):c.1904C>G (p.Thr635Ser)

Gene: PKD2 (polycystin 2, transient receptor potential cation channel; plus strand). Cytogenetic location: 4q22.1.
Variant type: single nucleotide variant.
Coding change: c.1904C>G on transcript NM_000297.4 (MANE Select); coding-DNA position 1904, C replaced by G.
Protein change: p.Thr635Ser; replaces threonine 635 with serine.
Molecular consequence: missense variant.
Genome position (GRCh38, 1-based): chr4:88,057,988, C>G. VCF-style: chr4-88057988-C-G. GRCh37 (hg19) VCF-style: chr4-88979140-C-G.
Other names: c.1904C>G (NM_000297.3); short protein forms T635S.
Identifiers: ClinVar variation 2582760 (VCV002582760.5), dbSNP rs150314615, ClinGen allele CA3004087.
Genomic context (GRCh38, chr4:88,057,988, plus strand): 5'-CAACTAGTGGACATTCTTTGTTTTTGTATTGTGGTGTTTTGTTTTATTTTTATAGCTTCA[C>G]TCAATTCCGTATCATTTTGGGCGATATCAACTTTGCAGAGATTGAGGAAGCTAATCGAGT-3'
Protein context (NP_000288.1, residues 625-645): DFSTFQECIF[Thr635Ser]QFRIILGDIN